The following is an entry in ClinVar:

NM_004360.5(CDH1):c.1622C>T (p.Ala541Val)

Gene: CDH1 (cadherin 1; plus strand). Cytogenetic location: 16q22.1.
Variant type: single nucleotide variant.
Coding change: c.1622C>T on transcript NM_004360.5 (MANE Select); coding-DNA position 1622, C replaced by T.
Protein change: p.Ala541Val; replaces alanine 541 with valine.
Molecular consequence: missense variant. On other transcripts: intron variant (1).
Genome position (GRCh38, 1-based): chr16:68,819,336, C>T. VCF-style: chr16-68819336-C-T. GRCh37 (hg19) VCF-style: chr16-68853239-C-T.
Other names: p.A541V:GCC>GTC; c.1439C>T, p.Ala480Val (NM_001317184.2); c.74C>T, p.Ala25Val (NM_001317185.2); c.-254-2665C>T (NM_001317186.2); c.1622C>T (LRG_301t1); short protein forms A541V, A480V, A25V.
Identifiers: ClinVar variation 182400 (VCV000182400.12), dbSNP rs730881668, ClinGen allele CA298998.
Genomic context (GRCh38, chr16:68,819,336, plus strand): 5'-TCAGATATCGGATTTGGAGAGACACTGCCAACTGGCTGGAGATTAATCCGGACACTGGTG[C>T]CATTTCCACTCGGGCTGAGCTGGACAGGGAGGATTTTGAGCACGTGAAGAACAGCACGTA-3'
Protein context (NP_004351.1, residues 531-551): NWLEINPDTG[Ala541Val]ISTRAELDRE

ClinVar aggregate classification (germline): Conflicting classifications of pathogenicity. Review status: criteria provided, conflicting classifications (1 of 4 stars). 3 submissions from 3 submitters: Uncertain significance (2); Likely benign (1). Last evaluated 2026-05-15.

Conditions:
Hereditary cancer-predisposing syndrome. Also called: Tumor predisposition; Hereditary Cancer Syndrome; Hereditary neoplastic syndrome; Neoplastic Syndromes, Hereditary. Identifiers: Orphanet 140162, MedGen C0027672, MeSH D009386, MONDO:0015356.
Hereditary diffuse gastric adenocarcinoma (HDGC). Also called: DIFFUSE GASTRIC AND LOBULAR BREAST CANCER SYNDROME. Identifiers: Orphanet 26106, MedGen C1708349, MONDO:0007648, OMIM 137215.

Allele frequency attached by ClinVar (database versions not stated): gnomAD exomes below 0.00001; ExAC 0.00001.
gnomAD v4.1: 1 of 1,614,118 alleles (0.000062%); highest among the groups gnomAD compares: African/African-American, 0.0013%; no homozygotes.

Submissions (3):

Ambry Genetics
Classification: Likely benign for Hereditary cancer-predisposing syndrome. Last evaluated: 2026-05-15. Review status: criteria provided, single submitter. Criteria: Ambry Variant Classification Scheme 2023. Collection method: clinical testing. Allele origin: germline.

Labcorp Genetics (formerly Invitae), Labcorp
Classification: Uncertain significance for Hereditary diffuse gastric adenocarcinoma. Last evaluated: 2021-05-25. Review status: criteria provided, single submitter. Criteria: Invitae Variant Classification Sherloc (09022015). Collection method: clinical testing. Allele origin: germline.
Comment: Algorithms developed to predict the effect of missense changes on protein structure and function output the following: SIFT: "Tolerated"; PolyPhen-2: "Benign"; Align-GVGD: "Class C0". The valine amino acid residue is found in multiple mammalian species, suggesting that this missense change does not adversely affect protein function. These predictions have not been confirmed by published functional studies and their clinical significance is uncertain. In summary, the available evidence is currently insufficient to determine the role of this variant in disease. Therefore, it has been classified as a Variant of Uncertain Significance. This variant has not been reported in the literature in individuals with CDH1-related conditions. ClinVar contains an entry for this variant (Variation ID: 182400). This sequence change replaces alanine with valine at codon 541 of the CDH1 protein (p.Ala541Val). The alanine residue is weakly conserved and there is a small physicochemical difference between alanine and valine. This variant is present in population databases (rs730881668, ExAC 0.01%).

GeneDx
Classification: Uncertain significance. Last evaluated: 2014-09-10. Review status: criteria provided, single submitter. Criteria: GeneDx Variant Classification (06012015). Collection method: clinical testing. Allele origin: germline. Affected: yes.
Comment: This variant is denoted CDH1 c.1622C>T at the cDNA level, p.Ala541Val (A541V) at the protein level, and results in the change of an Alanine to a Valine (GCC>GTC). This variant has not, to our knowledge, been published in the literature as pathogenic or benign. CDH1 Ala541Val was not observed in approximately 6,500 individuals of European and African American ancestry in the NHLBI Exome Sequencing Project, indicating it is not a common benign variant in these populations. Since Alanine and Valine share similar properties, this is considered a conservative amino acid substitution. CDH1 Ala541Val occurs at a position that is moderately conserved through mammals and is located in the extracellular domain (Figueiredo 2013). In silico analyses predict that this variant is unlikely to alter protein structure or function. Based on currently available information, it is unclear whether CDH1 Ala541Val is pathogenic or benign. We consider it to be a variant of uncertain significance.